The following is an entry in ClinVar:

ClinVar aggregate classification (germline): Conflicting classifications of pathogenicity. Review status: criteria provided, conflicting classifications (1 of 4 stars). 2 submissions from 2 submitters: Pathogenic (1); Uncertain significance (1). Last evaluated 2026-09-02.

Conditions:
Cardiovascular phenotype. Identifiers: MedGen CN230736.
Hereditary cancer-predisposing syndrome. Also called: Hereditary Cancer Syndrome; Tumor predisposition; Neoplastic Syndromes, Hereditary; Hereditary neoplastic syndrome. Identifiers: Orphanet 140162, MedGen C0027672, MeSH D009386, MONDO:0015356.
Neurofibromatosis, type 1 (NF1). Also called: NEUROFIBROMATOSIS, TYPE I, SOMATIC; Peripheral type neurofibromatosis; VON RECKLINGHAUSEN DISEASE; Neurofibromatosis, type I. Identifiers: Orphanet 636, MedGen C0027831, MONDO:0018975, OMIM 162200. Disease mechanism: loss of function.

Submissions (2):

Ambry Genetics
Classification: Pathogenic for Cardiovascular phenotype; Hereditary cancer-predisposing syndrome. Last evaluated: 2026-09-02. Review status: criteria provided, single submitter. Criteria: Ambry Variant Classification Scheme 2023. Collection method: clinical testing. Allele origin: germline.
Comment: The c.5546+3A>T intronic pathogenic mutation results from an A to T substitution 3 nucleotides after coding exon 37 in the NF1 gene. This variant was reported in individual(s) with features consistent with neurofibromatosis type 1 (external communication; Ambry internal data). This nucleotide position is well conserved in available vertebrate species. In silico splice site analysis predicts that this alteration may weaken the native splice donor site. RNA studies have demonstrated that this variant results in abnormal splicing in the set of samples tested (Ambry internal data). This variant is considered to be rare based on population cohorts in the Genome Aggregation Database (gnomAD). Based on the supporting evidence, this variant is interpreted as a disease-causing mutation.

Labcorp Genetics (formerly Invitae), Labcorp
Classification: Uncertain significance for Neurofibromatosis, type 1. Last evaluated: 2021-01-29. Review status: criteria provided, single submitter. Criteria: Invitae Variant Classification Sherloc (09022015). Collection method: clinical testing. Allele origin: germline.
Comment: Nucleotide substitutions within the consensus splice site are a relatively common cause of aberrant splicing (PMID: 17576681, 9536098). Algorithms developed to predict the effect of sequence changes on RNA splicing suggest that this variant may disrupt the consensus splice site, but this prediction has not been confirmed by published transcriptional studies. In summary, the available evidence is currently insufficient to determine the role of this variant in disease. Therefore, it has been classified as a Variant of Uncertain Significance. This variant has been reported in individual(s) in the Leiden Open-source Variation Database (PMID: 21520333). This variant is not present in population databases (ExAC no frequency). This sequence change falls in intron 37 of the NF1 gene. It does not directly change the encoded amino acid sequence of the NF1 protein. It affects a nucleotide within the consensus splice site of the intron.

Literature cited by the submitters: PubMed 17576681 (cited by Labcorp Genetics (formerly Invitae), Labcorp); PubMed 9536098 (cited by Labcorp Genetics (formerly Invitae), Labcorp); PubMed 21520333 (cited by Labcorp Genetics (formerly Invitae), Labcorp).

NM_001042492.3(NF1):c.5609+3A>T

Gene: NF1 (neurofibromin 1; plus strand). Cytogenetic location: 17q11.2.
Variant type: single nucleotide variant.
Coding change: c.5609+3A>T on transcript NM_001042492.3 (MANE Select); 3 bases into the intron after coding-DNA position 5609, A replaced by T.
Molecular consequence: intron variant.
Genome position (GRCh38, 1-based): chr17:31,327,842, A>T. VCF-style: chr17-31327842-A-T. GRCh37 (hg19) VCF-style: chr17-29654860-A-T.
Other names: c.5546+3A>T (NM_000267.3, NM_000267.4).
Identifiers: ClinVar variation 1484812 (VCV001484812.9), dbSNP rs2151541987, ClinGen allele CA2573153412.